The following is an entry in ClinVar:

ClinVar aggregate classification (germline): Uncertain significance. Review status: criteria provided, multiple submitters, no conflicts (2 of 4 stars). 3 submissions from 3 submitters: Uncertain significance (3). Last evaluated 2026-08-13.

Conditions:
Hereditary cancer-predisposing syndrome. Also called: Tumor predisposition; Hereditary neoplastic syndrome; Neoplastic Syndromes, Hereditary; Hereditary Cancer Syndrome. Identifiers: Orphanet 140162, MedGen C0027672, MeSH D009386, MONDO:0015356.

gnomAD v4.1: 3 of 1,613,830 alleles (0.00019%); highest among the groups gnomAD compares: East Asian, 0.0022%; no homozygotes.

Submissions (3):

Ambry Genetics
Classification: Uncertain significance for Hereditary cancer-predisposing syndrome. Last evaluated: 2026-08-13. Review status: criteria provided, single submitter. Criteria: Ambry Variant Classification Scheme 2023. Collection method: clinical testing. Allele origin: germline.

Labcorp Genetics (formerly Invitae), Labcorp
Classification: Uncertain significance. Last evaluated: 2025-10-07. Review status: criteria provided, single submitter. Criteria: Invitae Variant Classification Sherloc (09022015). Collection method: clinical testing. Allele origin: germline.
Comment: This sequence change replaces isoleucine, which is neutral and non-polar, with valine, which is neutral and non-polar, at codon 1925 of the POLE protein (p.Ile1925Val). This variant is not present in population databases (gnomAD no frequency). This variant has not been reported in the literature in individuals affected with POLE-related conditions. ClinVar contains an entry for this variant (Variation ID: 853068). Invitae Evidence Modeling of protein sequence and biophysical properties (such as structural, functional, and spatial information, amino acid conservation, physicochemical variation, residue mobility, and thermodynamic stability) indicates that this missense variant is not expected to disrupt POLE protein function with a negative predictive value of 80%. In summary, the available evidence is currently insufficient to determine the role of this variant in disease. Therefore, it has been classified as a Variant of Uncertain Significance.

GeneDx
Classification: Uncertain significance. Last evaluated: 2023-02-01. Review status: criteria provided, single submitter. Criteria: GeneDx Variant Classification Process June 2021. Collection method: clinical testing. Allele origin: germline. Affected: yes.
Comment: Not observed at significant frequency in large population cohorts (gnomAD); In silico analysis supports that this missense variant does not alter protein structure/function; Has not been previously published as pathogenic or benign to our knowledge

NM_006231.4(POLE):c.5773A>G (p.Ile1925Val)

Gene: POLE (DNA polymerase epsilon, catalytic subunit; minus strand). Cytogenetic location: 12q24.33.
Variant type: single nucleotide variant.
Coding change: c.5773A>G on transcript NM_006231.4 (MANE Select); coding-DNA position 5773, A replaced by G.
Protein change: p.Ile1925Val; replaces isoleucine 1925 with valine.
Molecular consequence: missense variant.
Genome position (GRCh38, 1-based): chr12:132,635,930, T>C on the plus strand (A>G on the coding strand, the complement: POLE is on the minus strand). VCF-style: chr12-132635930-T-C. GRCh37 (hg19) VCF-style: chr12-133212516-T-C.
Other names: c.5773A>G (NM_006231.2); short protein forms I1925V.
Identifiers: ClinVar variation 853068 (VCV000853068.11), dbSNP rs2042022859, ClinGen allele CA387372874.